The following is an entry in ClinVar:

NM_001844.5(COL2A1):c.251A>G (p.Glu84Gly)

Gene: COL2A1 (collagen type II alpha 1 chain; minus strand). Cytogenetic location: 12q13.11.
Variant type: single nucleotide variant.
Coding change: c.251A>G on transcript NM_001844.5 (MANE Select); coding-DNA position 251, A replaced by G.
Protein change: p.Glu84Gly; replaces glutamic acid 84 with glycine.
Molecular consequence: missense variant. On other transcripts: intron variant (1).
Genome position (GRCh38, 1-based): chr12:47,999,960, T>C on the plus strand (A>G on the coding strand, the complement: COL2A1 is on the minus strand). VCF-style: chr12-47999960-T-C. GRCh37 (hg19) VCF-style: chr12-48393743-T-C.
Other names: c.86-1529A>G (NM_033150.3); short protein forms E84G.
Identifiers: ClinVar variation 1995055 (VCV001995055.4), dbSNP rs2540187413, ClinGen allele CA384525949.
Genomic context (GRCh38, chr12:47,999,960, plus strand): 5'-GAAATAAATAAATTACAACCACTGGCAGTGGCGAGGTCAGTTGGGCAGATGGGGCAGCAC[T>C]CTCCGAAGGGGATCTCAGGGCTGAGGCAGTCTTTCACGTCTTCACAGATTATGTCGTCGC-3'
Protein context (NP_001835.3, residues 74-94): DCLSPEIPFG[Glu84Gly]CCPICPTDLA

ClinVar aggregate classification (germline): Uncertain significance (1 of 4 stars; one submission).

Submission:

Labcorp Genetics (formerly Invitae), Labcorp
Classification: Uncertain significance. Last evaluated: 2025-11-27. Review status: criteria provided, single submitter. Criteria: Invitae Variant Classification Sherloc (09022015). Collection method: clinical testing. Allele origin: germline.
Comment: This sequence change replaces glutamic acid, which is acidic and polar, with glycine, which is neutral and non-polar, at codon 84 of the COL2A1 protein (p.Glu84Gly). This variant is not present in population databases (gnomAD no frequency). This variant has not been reported in the literature in individuals affected with COL2A1-related conditions. ClinVar contains an entry for this variant (Variation ID: 1995055). Invitae Evidence Modeling of protein sequence and biophysical properties (such as structural, functional, and spatial information, amino acid conservation, physicochemical variation, residue mobility, and thermodynamic stability) indicates that this missense variant is not expected to disrupt COL2A1 protein function with a negative predictive value of 95%. In summary, the available evidence is currently insufficient to determine the role of this variant in disease. Therefore, it has been classified as a Variant of Uncertain Significance.